The following is an entry in ClinVar:

ClinVar aggregate classification (germline): Likely pathogenic (1 of 4 stars; one submission).

Allele frequency attached by ClinVar (database versions not stated): TOPMed below 0.00001; gnomAD 0.00001; gnomAD exomes 0.00001.
gnomAD v4.1: 16 of 1,614,032 alleles (0.00099%); highest among the groups gnomAD compares: Non-Finnish European, 0.0013%; no homozygotes.

Submission:

Labcorp Genetics (formerly Invitae), Labcorp
Classification: Likely pathogenic. Last evaluated: 2023-09-26. Review status: criteria provided, single submitter. Criteria: Invitae Variant Classification Sherloc (09022015). Collection method: clinical testing. Allele origin: germline.
Comment: This sequence change affects a donor splice site in intron 9 of the HSD17B3 gene. It is expected to disrupt RNA splicing. Variants that disrupt the donor or acceptor splice site typically lead to a loss of protein function (PMID: 16199547), and loss-of-function variants in HSD17B3 are known to be pathogenic (PMID: 23796702, 25740850). This variant is not present in population databases (gnomAD no frequency). This variant has not been reported in the literature in individuals affected with HSD17B3-related conditions. Algorithms developed to predict the effect of sequence changes on RNA splicing suggest that this variant may disrupt the consensus splice site. In summary, the currently available evidence indicates that the variant is pathogenic, but additional data are needed to prove that conclusively. Therefore, this variant has been classified as Likely Pathogenic.

Literature cited by the submitters: PubMed 16199547; PubMed 23796702; PubMed 25740850.

NM_000197.2(HSD17B3):c.672+1G>A

Genes: HSD17B3 (hydroxysteroid 17-beta dehydrogenase 3; minus strand), SLC35D2-HSD17B3 (SLC35D2-HSD17B3 readthrough; minus strand). Cytogenetic location: 9q22.32.
Variant type: single nucleotide variant.
Coding change: c.672+1G>A on transcript NM_000197.2 (MANE Select); the canonical splice donor site of the intron after coding-DNA position 672, G replaced by A.
Molecular consequence: splice donor variant.
Genome position (GRCh38, 1-based): chr9:96,244,328, C>T on the plus strand (G>A on the coding strand, the complement: HSD17B3 is on the minus strand). VCF-style: chr9-96244328-C-T. GRCh37 (hg19) VCF-style: chr9-99006610-C-T.
Identifiers: ClinVar variation 2807884 (VCV002807884.3), dbSNP rs1434833641, ClinGen allele CA374123406.